The following is an entry in ClinVar:

ClinVar aggregate classification (germline): Pathogenic. Review status: criteria provided, multiple submitters, no conflicts (2 of 4 stars). 4 submissions from 4 submitters: Pathogenic (4). Last evaluated 2025-08-30.

Conditions:
Familial adenomatous polyposis 1 (FAP1). Also called: POLYPOSIS, ADENOMATOUS INTESTINAL; FAMILIAL ADENOMATOUS POLYPOSIS 1, ATTENUATED. Identifiers: MedGen C2713442, MONDO:0021056, OMIM 175100. Disease mechanism: loss of function.
Hereditary cancer-predisposing syndrome. Also called: Hereditary neoplastic syndrome; Neoplastic Syndromes, Hereditary; Tumor predisposition; Hereditary Cancer Syndrome. Identifiers: Orphanet 140162, MedGen C0027672, MeSH D009386, MONDO:0015356.

Submissions (4):

Labcorp Genetics (formerly Invitae), Labcorp
Classification: Pathogenic for Familial adenomatous polyposis 1. Last evaluated: 2025-08-30. Review status: criteria provided, single submitter. Criteria: Invitae Variant Classification Sherloc (09022015). Collection method: clinical testing. Allele origin: germline.
Comment: This sequence change creates a premature translational stop signal (p.Arg141Valfs*6) in the APC gene. It is expected to result in an absent or disrupted protein product. Loss-of-function variants in APC are known to be pathogenic (PMID: 17963004, 20685668). This variant is not present in population databases (gnomAD no frequency). This variant has not been reported in the literature in individuals affected with APC-related conditions. ClinVar contains an entry for this variant (Variation ID: 469954). For these reasons, this variant has been classified as Pathogenic.

Ambry Genetics
Classification: Pathogenic for Hereditary cancer-predisposing syndrome. Last evaluated: 2024-01-12. Review status: criteria provided, single submitter. Criteria: Ambry Variant Classification Scheme 2023. Collection method: clinical testing. Allele origin: germline.
Comment: The c.421_422delAG pathogenic mutation, located in coding exon 3 of the APC gene, results from a deletion of two nucleotides at nucleotide positions 421 to 422, causing a translational frameshift with a predicted alternate stop codon (p.R141Vfs*6). This alteration is expected to result in loss of function by premature protein truncation or nonsense-mediated mRNA decay. As such, this alteration is interpreted as a disease-causing mutation.

GeneDx
Classification: Pathogenic. Last evaluated: 2023-07-24. Review status: criteria provided, single submitter. Criteria: GeneDx Variant Classification Process June 2021. Collection method: clinical testing. Allele origin: germline. Affected: yes.
Comment: Frameshift variant predicted to result in protein truncation or nonsense mediated decay in a gene for which loss of function is a known mechanism of disease; Not observed at significant frequency in large population cohorts (gnomAD); Has not been previously published as pathogenic or benign to our knowledge; This variant is associated with the following publications: (PMID: 22492711, 17653897)

Myriad Genetics, Inc.
Classification: Pathogenic for Familial adenomatous polyposis 1. Last evaluated: 2023-04-25. Review status: criteria provided, single submitter. Criteria: Myriad Autosomal Dominant, Autosomal Recessive and X-Linked Classification Criteria (2023). Collection method: clinical testing. Allele origin: unknown.
Comment: This variant is considered pathogenic. This variant creates a frameshift predicted to result in premature protein truncation.

Literature cited by the submitters: PubMed 17963004 (cited by Labcorp Genetics (formerly Invitae), Labcorp); PubMed 20685668 (cited by Labcorp Genetics (formerly Invitae), Labcorp).

NM_000038.6(APC):c.421_422del (p.Arg141fs)

Gene: APC (APC regulator of Wnt signaling pathway; plus strand). Cytogenetic location: 5q22.2.
Variant type: Microsatellite.
Coding change: c.421_422del on transcript NM_000038.6 (MANE Select); coding-DNA positions 421 to 422, 2 bases deleted (AG; older notation c.421_422delAG).
Protein change: p.Arg141fs; shifts the reading frame from arginine 141.
Molecular consequence: frameshift variant. On other transcripts: 5 prime UTR variant (1).
Genome position (GRCh38, 1-based): chr5:112,767,389-112,767,390, AG deleted; deleting any 2 consecutive bases within chr5:112,767,385-112,767,390 gives the same sequence; the c. name uses the placement nearest the transcript's 3' end. VCF-style (leftmost placement, unchanged base first): chr5-112767384-AAG-A. GRCh37 (hg19) VCF-style: chr5-112103081-AAG-A.
Other names: c.421_422delAG (NM_000038.5); c.421_422del (NM_000038.5); c.421_422del, p.Arg141fs (NM_001127510.3, NM_001354895.2, NM_001354896.2 and 2 more transcripts); c.451_452del, p.Arg151fs (NM_001127511.3, NM_001354897.2, NM_001354902.2); c.346_347del, p.Arg116fs (NM_001354898.2, NM_001354904.2); c.244_245del, p.Arg82fs (NM_001354900.2, NM_001354901.2, NM_001354905.2); c.-619AG[2] (NM_001354906.2); short protein forms R82fs, R151fs, R116fs, R141fs.
Identifiers: ClinVar variation 469954 (VCV000469954.17), dbSNP rs1554069850, ClinGen allele CA645546024.